The following is an entry in ClinVar:

ClinVar aggregate classification (germline): Conflicting classifications of pathogenicity. Review status: criteria provided, conflicting classifications (1 of 4 stars). 3 submissions from 3 submitters: Uncertain significance (2); Benign (1). Last evaluated 2024-12-02.

Conditions:
Familial thoracic aortic aneurysm and aortic dissection (TAAD). Also called: Thoracic aortic aneurysms and dissections. Identifiers: Orphanet 91387, MedGen C4707243, MONDO:0019625.
Adams-Oliver syndrome 5 (AOS5). Identifiers: Orphanet 974, MedGen C4014970, MONDO:0014459, OMIM 616028.

Allele frequency attached by ClinVar (database versions not stated): gnomAD exomes 0.00002 and 0.00006; gnomAD 0.00003; ExAC 0.00004; TOPMed 0.00004.
gnomAD v4.1: 17 of 1,611,804 alleles (0.0011%); highest among the groups gnomAD compares: Admixed American, 0.025%; no homozygotes.

Submissions (3):

Labcorp Genetics (formerly Invitae), Labcorp
Classification: Benign for Adams-Oliver syndrome 5. Last evaluated: 2024-12-02. Review status: criteria provided, single submitter. Criteria: Invitae Variant Classification Sherloc (09022015). Collection method: clinical testing. Allele origin: germline.

Ambry Genetics
Classification: Uncertain significance for Familial thoracic aortic aneurysm and aortic dissection. Last evaluated: 2024-11-17. Review status: criteria provided, single submitter. Criteria: Ambry Variant Classification Scheme 2023. Collection method: clinical testing. Allele origin: germline.
Comment: The p.L630P variant (also known as c.1889T>C), located in coding exon 11 of the NOTCH1 gene, results from a T to C substitution at nucleotide position 1889. The leucine at codon 630 is replaced by proline, an amino acid with similar properties. This amino acid position is conserved. In addition, this alteration is predicted to be tolerated by in silico analysis. Based on the available evidence, the clinical significance of this variant remains unclear.

GeneDx
Classification: Uncertain significance. Last evaluated: 2023-07-31. Review status: criteria provided, single submitter. Criteria: GeneDx Variant Classification Process June 2021. Collection method: clinical testing. Allele origin: germline. Affected: yes.
Comment: Has not been previously published as pathogenic or benign to our knowledge; In silico analysis supports that this missense variant does not alter protein structure/function

NM_017617.5(NOTCH1):c.1889T>C (p.Leu630Pro)

Gene: NOTCH1 (notch receptor 1; minus strand). Cytogenetic location: 9q34.3.
Variant type: single nucleotide variant.
Coding change: c.1889T>C on transcript NM_017617.5 (MANE Select); coding-DNA position 1889, T replaced by C.
Protein change: p.Leu630Pro; replaces leucine 630 with proline.
Molecular consequence: missense variant.
Genome position (GRCh38, 1-based): chr9:136,515,497, A>G on the plus strand (T>C on the coding strand, the complement: NOTCH1 is on the minus strand). VCF-style: chr9-136515497-A-G. GRCh37 (hg19) VCF-style: chr9-139409949-A-G.
Other names: short protein forms L630P.
Identifiers: ClinVar variation 978538 (VCV000978538.11), dbSNP rs752513330, ClinGen allele CA5341603.